The following is an entry in ClinVar:

NM_000260.4(MYO7A):c.2569C>T (p.Gln857Ter)

Gene: MYO7A (myosin VIIA; plus strand). Cytogenetic location: 11q13.5.
Variant type: single nucleotide variant.
Coding change: c.2569C>T on transcript NM_000260.4 (MANE Select); coding-DNA position 2569, C replaced by T.
Protein change: p.Gln857Ter; replaces glutamine 857 with a stop codon.
Molecular consequence: nonsense.
Genome position (GRCh38, 1-based): chr11:77,179,936, C>T. VCF-style: chr11-77179936-C-T. GRCh37 (hg19) VCF-style: chr11-76890982-C-T.
Other names: c.2569C>T, p.Gln857Ter (NM_001127180.2); c.2536C>T, p.Gln846Ter (NM_001369365.1); short protein forms Q846*, Q857*.
Identifiers: ClinVar variation 1323320 (VCV001323320.7), dbSNP rs1555082994, ClinGen allele CA381942039.

ClinVar aggregate classification (germline): Pathogenic/Likely pathogenic. Review status: criteria provided, multiple submitters, no conflicts (2 of 4 stars). 2 submissions from 2 submitters: Pathogenic (1); Likely pathogenic (1). Last evaluated 2024-04-30.

Conditions:
Usher syndrome type 1 (USH1). Also called: RETINITIS PIGMENTOSA AND CONGENITAL DEAFNESS. Identifiers: Orphanet 231169, Orphanet 886, MedGen C1568247, MONDO:0010168, OMIM 276900.
Autosomal recessive nonsyndromic hearing loss 2. Also called: DEAFNESS, AUTOSOMAL RECESSIVE 2; NEUROSENSORY NONSYNDROMIC RECESSIVE DEAFNESS 2. Identifiers: Orphanet 90636, MedGen C1838701, MONDO:0010807, OMIM 600060.
Autosomal dominant nonsyndromic hearing loss 11. Identifiers: Orphanet 90635, MedGen C1832475, MONDO:0011032, OMIM 601317.

Submissions (2):

Fulgent Genetics
Classification: Likely pathogenic for Usher syndrome type 1; Autosomal recessive nonsyndromic hearing loss 2; Autosomal dominant nonsyndromic hearing loss 11. Last evaluated: 2024-04-30. Review status: criteria provided, single submitter. Criteria: ACMG Guidelines, 2015. Collection method: clinical testing. Allele origin: germline.

Labcorp Genetics (formerly Invitae), Labcorp
Classification: Pathogenic. Last evaluated: 2023-03-22. Review status: criteria provided, single submitter. Criteria: Invitae Variant Classification Sherloc (09022015). Collection method: clinical testing. Allele origin: germline.
Comment: This sequence change creates a premature translational stop signal (p.Gln857*) in the MYO7A gene. It is expected to result in an absent or disrupted protein product. Loss-of-function variants in MYO7A are known to be pathogenic (PMID: 8900236, 25404053). This variant is not present in population databases (gnomAD no frequency). This variant has not been reported in the literature in individuals affected with MYO7A-related conditions. ClinVar contains an entry for this variant (Variation ID: 1323320). Algorithms developed to predict the effect of sequence changes on RNA splicing suggest that this variant may create or strengthen a splice site. For these reasons, this variant has been classified as Pathogenic.

Literature cited by the submitters: PubMed 8900236 (cited by Labcorp Genetics (formerly Invitae), Labcorp); PubMed 25404053 (cited by Labcorp Genetics (formerly Invitae), Labcorp).